The following is an entry in ClinVar:

NM_001205293.3(CACNA1E):c.4307A>C (p.Glu1436Ala)

Gene: CACNA1E (calcium voltage-gated channel subunit alpha1 E; plus strand). Cytogenetic location: 1q25.3.
Variant type: single nucleotide variant.
Coding change: c.4307A>C on transcript NM_001205293.3 (MANE Select); coding-DNA position 4307, A replaced by C.
Protein change: p.Glu1436Ala; replaces glutamic acid 1436 with alanine.
Molecular consequence: missense variant.
Genome position (GRCh38, 1-based): chr1:181,757,104, A>C. VCF-style: chr1-181757104-A-C. GRCh37 (hg19) VCF-style: chr1-181726240-A-C.
Other names: c.4307A>C, p.Glu1436Ala (NM_000721.4); c.4250A>C, p.Glu1417Ala (NM_001205294.2); short protein forms E1417A, E1436A.
Identifiers: ClinVar variation 1327165 (VCV001327165.2), dbSNP rs2102689778, ClinGen allele CA343624560.

ClinVar aggregate classification (germline): Uncertain significance (1 of 4 stars; one submission).

Submission:

GeneDx
Classification: Uncertain significance. Last evaluated: 2021-06-03. Review status: criteria provided, single submitter. Criteria: GeneDx Variant Classification Process June 2021. Collection method: clinical testing. Allele origin: germline. Affected: yes.
Comment: Not observed at significant frequency in large population cohorts (Lek et al., 2016); In silico analysis supports that this missense variant has a deleterious effect on protein structure/function; Has not been previously published as pathogenic or benign to our knowledge; This variant is associated with the following publications: (PMID: 27535533)